The following is an entry in ClinVar:

NM_000545.8(HNF1A):c.761T>C (p.Leu254Pro)

Gene: HNF1A (HNF1 homeobox A; plus strand). Cytogenetic location: 12q24.31.
Variant type: single nucleotide variant.
Coding change: c.761T>C on transcript NM_000545.8 (MANE Select); coding-DNA position 761, T replaced by C.
Protein change: p.Leu254Pro; replaces leucine 254 with proline.
Molecular consequence: missense variant.
Genome position (GRCh38, 1-based): chr12:120,994,211, T>C. VCF-style: chr12-120994211-T-C. GRCh37 (hg19) VCF-style: chr12-121432014-T-C.
Other names: c.761T>C, p.Leu254Pro (NM_001306179.2, NM_001406915.1); short protein forms L254P.
Identifiers: ClinVar variation 2745334 (VCV002745334.3), dbSNP rs2135841460, ClinGen allele CA386965980.

ClinVar aggregate classification (germline): Uncertain significance (1 of 4 stars; one submission).

Submission:

Labcorp Genetics (formerly Invitae), Labcorp
Classification: Uncertain significance. Last evaluated: 2023-08-08. Review status: criteria provided, single submitter. Criteria: Invitae Variant Classification Sherloc (09022015). Collection method: clinical testing. Allele origin: germline.
Comment: This sequence change replaces leucine, which is neutral and non-polar, with proline, which is neutral and non-polar, at codon 254 of the HNF1A protein (p.Leu254Pro). This variant is not present in population databases (gnomAD no frequency). This variant has not been reported in the literature in individuals affected with HNF1A-related conditions. Advanced modeling of protein sequence and biophysical properties (such as structural, functional, and spatial information, amino acid conservation, physicochemical variation, residue mobility, and thermodynamic stability) has been performed at Invitae for this missense variant, however the output from this modeling did not meet the statistical confidence thresholds required to predict the impact of this variant on HNF1A protein function. In summary, the available evidence is currently insufficient to determine the role of this variant in disease. Therefore, it has been classified as a Variant of Uncertain Significance.